The following is an entry in ClinVar:

ClinVar aggregate classification (germline): Uncertain significance (1 of 4 stars; one submission).

Conditions:
Hereditary cancer-predisposing syndrome. Also called: Hereditary Cancer Syndrome; Hereditary neoplastic syndrome; Neoplastic Syndromes, Hereditary; Tumor predisposition. Identifiers: Orphanet 140162, MedGen C0027672, MeSH D009386, MONDO:0015356.

Submission:

Ambry Genetics
Classification: Uncertain significance for Hereditary cancer-predisposing syndrome. Last evaluated: 2025-08-20. Review status: criteria provided, single submitter. Criteria: Ambry Variant Classification Scheme 2023. Collection method: clinical testing. Allele origin: germline.
Comment: The c.6017_6019dupGTA variant (also known as p.S2006dup), located in coding exon 10 of the BRCA2 gene, results from an in-frame duplication of GTA at nucleotide positions 6017 to 6019. This results in the duplication of a serine residue at codon 2006. This amino acid position is not well conserved in available vertebrate species. In addition, this variant is predicted to be deleterious by in silico analysis (Choi Y et al. PLoS ONE. 2012; 7(10):e46688). Based on the available evidence, the clinical significance of this variant remains unclear.

NM_000059.4(BRCA2):c.6017_6019dup (p.Ser2006_Thr2007insSer)

Gene: BRCA2 (BRCA2 DNA repair associated; plus strand). Cytogenetic location: 13q13.1.
Variant type: Duplication.
Coding change: c.6017_6019dup on transcript NM_000059.4 (MANE Select); coding-DNA positions 6017 to 6019, 3 bases duplicated (GTA; older notation c.6017_6019dupGTA).
Protein change: p.Ser2006_Thr2007insSer.
Molecular consequence: non-coding transcript variant (on NR_176251.1). On other transcripts: intron variant (2), inframe indel (1).
Genome position (GRCh38, 1-based): chr13:32,340,372-32,340,374, GTA duplicated; duplicating any 3 consecutive bases within chr13:32,340,370-32,340,374 gives the same sequence; the c. name uses the placement nearest the transcript's 3' end. VCF-style (leftmost placement, unchanged base first): chr13-32340369-A-ATAG. GRCh37 (hg19) VCF-style: chr13-32914506-A-ATAG.
Other names: c.6017_6019dup, p.Ser2006_Thr2007insSer (NM_001406719.1, NM_001406720.1, NM_001432077.1); c.1910-4186_1910-4184dup (NM_001406721.1); c.425-4186_425-4184dup (NM_001406722.1); c.6017_6019dupGTA (NM_000059.3).
Identifiers: ClinVar variation 4215894 (VCV004215894.1).